The following is an entry in ClinVar:

ClinVar aggregate classification (germline): Uncertain significance (1 of 4 stars; one submission).

Submission:

Labcorp Genetics (formerly Invitae), Labcorp
Classification: Uncertain significance. Last evaluated: 2022-02-28. Review status: criteria provided, single submitter. Criteria: Invitae Variant Classification Sherloc (09022015). Collection method: clinical testing. Allele origin: germline.
Comment: In summary, the available evidence is currently insufficient to determine the role of this variant in disease. Therefore, it has been classified as a Variant of Uncertain Significance. This variant is not present in population databases (gnomAD no frequency). This variant has not been reported in the literature in individuals affected with CD46-related conditions. Algorithms developed to predict the effect of missense changes on protein structure and function are either unavailable or do not agree on the potential impact of this missense change (SIFT: "Tolerated"; PolyPhen-2: "Probably Damaging"; Align-GVGD: "Class C0"). This sequence change replaces methionine, which is neutral and non-polar, with isoleucine, which is neutral and non-polar, at codon 44 of the CD46 protein (p.Met44Ile).

NM_172351.3(CD46):c.132G>A (p.Met44Ile)

Gene: CD46 (CD46 molecule; plus strand). Cytogenetic location: 1q32.2.
Variant type: single nucleotide variant.
Coding change: c.132G>A on transcript NM_172351.3 (MANE Select); coding-DNA position 132, G replaced by A.
Protein change: p.Met44Ile; replaces methionine 44 with isoleucine.
Molecular consequence: missense variant.
Genome position (GRCh38, 1-based): chr1:207,757,048, G>A. VCF-style: chr1-207757048-G-A. GRCh37 (hg19) VCF-style: chr1-207930393-G-A.
Other names: c.132G>A, p.Met44Ile (NM_002389.4, NM_153826.4, NM_172350.3 and 8 more transcripts); short protein forms M44I.
Identifiers: ClinVar variation 2094251 (VCV002094251.4), dbSNP rs2526399280, ClinGen allele CA344547966.